The following is an entry in ClinVar:

NM_013382.7(POMT2):c.1726-9A>T

Gene: POMT2 (protein O-mannosyltransferase 2; minus strand). Cytogenetic location: 14q24.3.
Variant type: single nucleotide variant.
Coding change: c.1726-9A>T on transcript NM_013382.7 (MANE Select); 9 bases into the intron before coding-DNA position 1726, A replaced by T.
Molecular consequence: intron variant.
Genome position (GRCh38, 1-based): chr14:77,280,089, T>A on the plus strand (A>T on the coding strand, the complement: POMT2 is on the minus strand). VCF-style: chr14-77280089-T-A. GRCh37 (hg19) VCF-style: chr14-77746432-T-A.
Identifiers: ClinVar variation 289639 (VCV000289639.15), dbSNP rs747493997, ClinGen allele CA10606504.

ClinVar aggregate classification (germline): Conflicting classifications of pathogenicity. Review status: criteria provided, conflicting classifications (1 of 4 stars). 3 submissions from 3 submitters: Uncertain significance (1); Likely benign (2). Last evaluated 2025-09-25.

Conditions:
Muscular dystrophy-dystroglycanopathy (congenital with brain and eye anomalies), type A2. Also called: WALKER-WARBURG SYNDROME OR MUSCLE-EYE-BRAIN DISEASE, POMT2-RELATED; MUSCULAR DYSTROPHY-DYSTROGLYCANOPATHY (CONGENITAL WITH BRAIN AND EYE ANOMALIES), TYPE A, 2. Identifiers: Orphanet 588, Orphanet 899, MedGen C3150411, MONDO:0013154, OMIM 613150.
Muscular dystrophy-dystroglycanopathy (congenital with impaired intellectual development), type B, 2. Also called: Muscular dystrophy-dystroglycanopathy (congenital with intellectual disability), type B2; MUSCULAR DYSTROPHY, CONGENITAL, POMT2-RELATED. Identifiers: MedGen C3150416, MONDO:0013160, OMIM 613156.
Autosomal recessive limb-girdle muscular dystrophy type 2N. Also called: MUSCULAR DYSTROPHY-DYSTROGLYCANOPATHY, LIMB-GIRDLE, POMT2-RELATED; Muscular dystrophy-dystroglycanopathy (limb-girdle), type C, 2. Identifiers: Orphanet 206559, MedGen C3150418, MONDO:0013162, OMIM 613158.

Allele frequency attached by ClinVar (database versions not stated): TOPMed 0.00002.
gnomAD v4.1: 61 of 1,613,560 alleles (0.0038%); highest among the groups gnomAD compares: Non-Finnish European, 0.0049%; no homozygotes.

Submissions (3):

Labcorp Genetics (formerly Invitae), Labcorp
Classification: Likely benign for Muscular dystrophy-dystroglycanopathy (congenital with impaired intellectual development), type B, 2; Muscular dystrophy-dystroglycanopathy (congenital with brain and eye anomalies), type A2; Autosomal recessive limb-girdle muscular dystrophy type 2N. Last evaluated: 2025-09-25. Review status: criteria provided, single submitter. Criteria: Invitae Variant Classification Sherloc (09022015). Collection method: clinical testing. Allele origin: germline.

GeneDx
Classification: Likely benign. Last evaluated: 2017-04-13. Review status: criteria provided, single submitter. Criteria: GeneDx Variant Classification (06012015). Collection method: clinical testing. Allele origin: germline. Affected: yes.
Comment: This variant is considered likely benign or benign based on one or more of the following criteria: it is a conservative change, it occurs at a poorly conserved position in the protein, it is predicted to be benign by multiple in silico algorithms, and/or has population frequency not consistent with disease.

Eurofins Ntd Llc (ga)
Classification: Uncertain significance. Last evaluated: 2016-08-04. Review status: criteria provided, single submitter. Criteria: EGL Classification Definitions 2015. Collection method: clinical testing. Allele origin: germline. Observed: 2 variant alleles, 2 heterozygotes.